The following is an entry in ClinVar:

ClinVar aggregate classification (germline): Benign/Likely benign. Review status: criteria provided, multiple submitters, no conflicts (2 of 4 stars). 2 submissions from 2 submitters: Benign (1); Likely benign (1). Last evaluated 2024-05-15.

Conditions:
Ataxia-telangiectasia syndrome (AT). Also called: Cerebello-oculocutaneous telangiectasia; Immunodeficiency with ataxia telangiectasia; LOUIS-BAR SYNDROME; Ataxia-telangiectasia, complementation group D; AT, COMPLEMENTATION GROUP C; Ataxia-telangiectasia, complementation group E. Identifiers: Orphanet 100, MedGen C0004135, MONDO:0008840, OMIM 208900.
Familial cancer of breast. Also called: hereditary breast carcinoma; BREAST CANCER, FAMILIAL; Hereditary breast cancer. Identifiers: Orphanet 227535, MedGen C0346153, MONDO:0016419, OMIM 114480. Disease mechanism: loss of function.

Allele frequency attached by ClinVar (database versions not stated): gnomAD exomes below 0.00001.
gnomAD v4.1: 2 of 1,613,490 alleles (0.00012%); highest among the groups gnomAD compares: South Asian, 0.0022%; no homozygotes.

Submissions (2):

Myriad Genetics, Inc.
Classification: Benign for Familial cancer of breast. Last evaluated: 2024-05-15. Review status: criteria provided, single submitter. Criteria: Myriad Autosomal Dominant, Autosomal Recessive and X-Linked Classification Criteria (2023). Collection method: clinical testing. Allele origin: unknown.
Comment: This variant is considered benign. This variant is a silent/synonymous amino acid change and it is not expected to impact splicing.

Labcorp Genetics (formerly Invitae), Labcorp
Classification: Likely benign for Ataxia-telangiectasia syndrome. Last evaluated: 2021-06-08. Review status: criteria provided, single submitter. Criteria: Invitae Variant Classification Sherloc (09022015). Collection method: clinical testing. Allele origin: germline.

NM_000051.4(ATM):c.3807G>A (p.Lys1269=)

Gene: ATM (ATM serine/threonine kinase; plus strand). Cytogenetic location: 11q22.3.
Variant type: single nucleotide variant.
Coding change: c.3807G>A on transcript NM_000051.4 (MANE Select); coding-DNA position 3807, G replaced by A.
Protein change: p.Lys1269=; no amino-acid change (lysine 1269 retained).
Molecular consequence: synonymous variant.
Genome position (GRCh38, 1-based): chr11:108,284,287, G>A. VCF-style: chr11-108284287-G-A. GRCh37 (hg19) VCF-style: chr11-108155014-G-A.
Other names: c.3807G>A, p.Lys1269= (NM_001351834.2).
Identifiers: ClinVar variation 1665810 (VCV001665810.9), dbSNP rs2135705663, ClinGen allele CA476745005.